The following is an entry in ClinVar:

NM_000038.6(APC):c.382A>G (p.Arg128Gly)

Gene: APC (APC regulator of Wnt signaling pathway; plus strand). Cytogenetic location: 5q22.2.
Variant type: single nucleotide variant.
Coding change: c.382A>G on transcript NM_000038.6 (MANE Select); coding-DNA position 382, A replaced by G.
Protein change: p.Arg128Gly; replaces arginine 128 with glycine.
Molecular consequence: missense variant. On other transcripts: 5 prime UTR variant (4), non-coding transcript variant (2).
Genome position (GRCh38, 1-based): chr5:112,767,350, A>G. VCF-style: chr5-112767350-A-G. GRCh37 (hg19) VCF-style: chr5-112103047-A-G.
Other names: c.382A>G, p.Arg128Gly (NM_001127510.3, NM_001354895.2, NM_001354896.2 and 16 more transcripts); c.412A>G, p.Arg138Gly (NM_001127511.3, NM_001354897.2, NM_001354902.2 and 1 more transcripts); c.307A>G, p.Arg103Gly (NM_001354898.2, NM_001354904.2, NM_001407451.1); c.205A>G, p.Arg69Gly (NM_001354900.2, NM_001354901.2, NM_001354905.2 and 1 more transcripts); c.-654A>G (NM_001354906.2, NM_001407470.1, NM_001407471.1 and 1 more transcripts); c.382A>G (NM_000038.5); short protein forms R128G, R103G, R138G, R69G.
Identifiers: ClinVar variation 3690635 (VCV003690635.3).
Genomic context (GRCh38, chr5:112,767,350, plus strand): 5'-GGAGAGTGCAGTCCTGTTCCTATGGGTTCATTTCCAAGAAGAGGGTTTGTAAATGGAAGC[A>G]GAGAAAGTACTGGATATTTAGAAGAACTTGAGAAAGAGAGGTAACTTTTCTTCATATAGT-3'
Protein context (NP_000029.2, residues 118-138): FPRRGFVNGS[Arg128Gly]ESTGYLEELE

ClinVar aggregate classification (germline): Uncertain significance. Review status: criteria provided, multiple submitters, no conflicts (2 of 4 stars). 2 submissions from 2 submitters: Uncertain significance (2). Last evaluated 2025-07-28.

Conditions:
Hereditary cancer-predisposing syndrome. Also called: Tumor predisposition; Neoplastic Syndromes, Hereditary; Hereditary Cancer Syndrome; Hereditary neoplastic syndrome. Identifiers: Orphanet 140162, MedGen C0027672, MeSH D009386, MONDO:0015356.
Familial adenomatous polyposis 1 (FAP1). Also called: POLYPOSIS, ADENOMATOUS INTESTINAL; FAMILIAL ADENOMATOUS POLYPOSIS 1, ATTENUATED. Identifiers: MedGen C2713442, MONDO:0021056, OMIM 175100. Disease mechanism: loss of function.

Submissions (2):

Ambry Genetics
Classification: Uncertain significance for Hereditary cancer-predisposing syndrome. Last evaluated: 2025-07-28. Review status: criteria provided, single submitter. Criteria: Ambry Variant Classification Scheme 2023. Collection method: clinical testing. Allele origin: germline.
Comment: The p.R128G variant (also known as c.382A>G), located in coding exon 3 of the APC gene, results from an A to G substitution at nucleotide position 382. The arginine at codon 128 is replaced by glycine, an amino acid with dissimilar properties. This amino acid position is conserved. In addition, in silico predictors for this gene do not accurately predict pathogenicity. Based on the available evidence, the clinical significance of this variant remains unclear.

Labcorp Genetics (formerly Invitae), Labcorp
Classification: Uncertain significance for Familial adenomatous polyposis 1. Last evaluated: 2025-05-08. Review status: criteria provided, single submitter. Criteria: Invitae Variant Classification Sherloc (09022015). Collection method: clinical testing. Allele origin: germline.
Comment: This sequence change replaces arginine, which is basic and polar, with glycine, which is neutral and non-polar, at codon 128 of the APC protein (p.Arg128Gly). This variant is not present in population databases (gnomAD no frequency). This variant has not been reported in the literature in individuals affected with APC-related conditions. ClinVar contains an entry for this variant (Variation ID: 3690635). Invitae Evidence Modeling of protein sequence and biophysical properties (such as structural, functional, and spatial information, amino acid conservation, physicochemical variation, residue mobility, and thermodynamic stability) indicates that this missense variant is not expected to disrupt APC protein function with a negative predictive value of 95%. In summary, the available evidence is currently insufficient to determine the role of this variant in disease. Therefore, it has been classified as a Variant of Uncertain Significance.